The following is an entry in ClinVar:

ClinVar aggregate classification (germline): Likely benign. Review status: criteria provided, multiple submitters, no conflicts (2 of 4 stars). 4 submissions from 4 submitters: Likely benign (3). 1 of the submissions does not count toward it. Last evaluated 2026-02-01.

Conditions:
Familial thoracic aortic aneurysm and aortic dissection (TAAD). Also called: Thoracic aortic aneurysms and dissections. Identifiers: Orphanet 91387, MedGen C4707243, MONDO:0019625.
NOTCH1-related disorder. Also called: NOTCH1-related condition; NOTCH1-related disorders.
Adams-Oliver syndrome 5 (AOS5). Identifiers: Orphanet 974, MedGen C4014970, MONDO:0014459, OMIM 616028.

Allele frequency attached by ClinVar (database versions not stated): ExAC below 0.00001; gnomAD 0.00001 and 0.00002; gnomAD exomes 0.00001; TOPMed 0.00001; 1000 Genomes Project 30x 0.00016; 1000 Genomes Project 0.00020.
gnomAD v4.1: 15 of 1,521,070 alleles (0.00099%); highest among the groups gnomAD compares: East Asian, 0.0025%; no homozygotes.

Submissions (4):

Labcorp Genetics (formerly Invitae), Labcorp
Classification: Likely benign for Adams-Oliver syndrome 5. Last evaluated: 2026-02-01. Review status: criteria provided, single submitter. Criteria: Invitae Variant Classification Sherloc (09022015). Collection method: clinical testing. Allele origin: germline.

Ambry Genetics
Classification: Likely benign for Familial thoracic aortic aneurysm and aortic dissection. Last evaluated: 2022-07-27. Review status: criteria provided, single submitter. Criteria: Ambry Variant Classification Scheme 2023. Collection method: clinical testing. Allele origin: germline.

GeneDx
Classification: Likely benign. Last evaluated: 2017-05-12. Review status: criteria provided, single submitter. Criteria: GeneDx Variant Classification (06012015). Collection method: clinical testing. Allele origin: germline. Affected: yes.
Comment: This variant is considered likely benign or benign based on one or more of the following criteria: it is a conservative change, it occurs at a poorly conserved position in the protein, it is predicted to be benign by multiple in silico algorithms, and/or has population frequency not consistent with disease.

PreventionGenetics, part of Exact Sciences
Classification: Likely benign for NOTCH1-related condition. Last evaluated: 2019-09-11. Review status: no assertion criteria provided. Collection method: clinical testing. Allele origin: germline. Not counted in ClinVar's aggregate classification.
Comment: This variant is classified as likely benign based on ACMG/AMP sequence variant interpretation guidelines (Richards et al. 2015 PMID: 25741868, with internal and published modifications).

NM_017617.5(NOTCH1):c.714C>T (p.Asp238=)

Gene: NOTCH1 (notch receptor 1; minus strand). Cytogenetic location: 9q34.3.
Variant type: single nucleotide variant.
Coding change: c.714C>T on transcript NM_017617.5 (MANE Select); coding-DNA position 714, C replaced by T.
Protein change: p.Asp238=; no amino-acid change (aspartic acid 238 retained).
Molecular consequence: synonymous variant.
Genome position (GRCh38, 1-based): chr9:136,522,878, G>A on the plus strand (C>T on the coding strand, the complement: NOTCH1 is on the minus strand). VCF-style: chr9-136522878-G-A. GRCh37 (hg19) VCF-style: chr9-139417330-G-A.
Other names: c.714C>T, p.Asp238= (LRG_1122t1); c.714C>T (NM_017617.4).
Identifiers: ClinVar variation 509495 (VCV000509495.10), dbSNP rs532058137, ClinGen allele CA5342095.